The following is an entry in ClinVar:

ClinVar aggregate classification (germline): Likely benign. Review status: criteria provided, multiple submitters, no conflicts (2 of 4 stars). 2 submissions from 2 submitters: Likely benign (2). Last evaluated 2026-01-31.

Conditions:
Catecholaminergic polymorphic ventricular tachycardia 1. Also called: RYR2-Related Catecholaminergic Polymorphic Ventricular Tachycardia; VENTRICULAR TACHYCARDIA, STRESS-INDUCED POLYMORPHIC 1; VENTRICULAR TACHYCARDIA, CATECHOLAMINERGIC POLYMORPHIC, 1, WITH OR WITHOUT ATRIAL DYSFUNCTION AND/OR DILATED CARDIOMYOPATHY. Identifiers: Orphanet 3286, MedGen C1631597, MONDO:0011484, OMIM 604772.

Allele frequency attached by ClinVar (database versions not stated): gnomAD 0.00001 and 0.00002; ExAC 0.00002; TOPMed 0.00002; 1000 Genomes Project 30x 0.00016.
gnomAD v4.1: 20 of 1,591,684 alleles (0.0013%); highest among the groups gnomAD compares: Admixed American, 0.0067%; no homozygotes.

Submissions (2):

Labcorp Genetics (formerly Invitae), Labcorp
Classification: Likely benign for Catecholaminergic polymorphic ventricular tachycardia 1. Last evaluated: 2026-01-31. Review status: criteria provided, single submitter. Criteria: Invitae Variant Classification Sherloc (09022015). Collection method: clinical testing. Allele origin: germline.

GeneDx
Classification: Likely benign. Last evaluated: 2017-12-12. Review status: criteria provided, single submitter. Criteria: GeneDx Variant Classification (06012015). Collection method: clinical testing. Allele origin: germline. Affected: yes.
Comment: This variant is considered likely benign or benign based on one or more of the following criteria: it is a conservative change, it occurs at a poorly conserved position in the protein, it is predicted to be benign by multiple in silico algorithms, and/or has population frequency not consistent with disease.

NM_001232.4(CASQ2):c.737+19G>C

Gene: CASQ2 (calsequestrin 2; minus strand). Cytogenetic location: 1p13.1.
Variant type: single nucleotide variant.
Coding change: c.737+19G>C on transcript NM_001232.4 (MANE Select); 19 bases into the intron after coding-DNA position 737, G replaced by C.
Molecular consequence: intron variant.
Genome position (GRCh38, 1-based): chr1:115,726,973, C>G on the plus strand (G>C on the coding strand, the complement: CASQ2 is on the minus strand). VCF-style: chr1-115726973-C-G. GRCh37 (hg19) VCF-style: chr1-116269594-C-G.
Identifiers: ClinVar variation 377625 (VCV000377625.4), dbSNP rs761915819, ClinGen allele CA1023807.